The following is an entry in ClinVar:

ClinVar aggregate classification (germline): Uncertain significance. Review status: criteria provided, multiple submitters, no conflicts (2 of 4 stars). 2 submissions from 2 submitters: Uncertain significance (2). Last evaluated 2020-11-24.

Conditions:
Cardiovascular phenotype. Identifiers: MedGen CN230736.
Brugada syndrome 8 (BRGDA8). Identifiers: Orphanet 130, MedGen C2751083, MONDO:0013148, OMIM 613123.

Allele frequency attached by ClinVar (database versions not stated): gnomAD exomes below 0.00001; TOPMed below 0.00001; ExAC 0.00001; gnomAD 0.00001; 1000 Genomes Project 0.00020.
gnomAD v4.1: 6 of 1,614,018 alleles (0.00037%); highest among the groups gnomAD compares: East Asian, 0.0022%; no homozygotes.

Submissions (2):

Ambry Genetics
Classification: Uncertain significance for Cardiovascular phenotype. Last evaluated: 2020-11-24. Review status: criteria provided, single submitter. Criteria: Ambry Variant Classification Scheme 2023. Collection method: clinical testing. Allele origin: germline.
Comment: The p.D565N variant (also known as c.1693G>A), located in coding exon 5 of the HCN4 gene, results from a G to A substitution at nucleotide position 1693. The aspartic acid at codon 565 is replaced by asparagine, an amino acid with highly similar properties. This missense alteration is located in a region that has a low rate of benign missense variation (Lek M et al. Nature. 2016 Aug 18;536(7616):285-91; DECIPHER: Database of Chromosomal Imbalance and Phenotype in Humans using Ensembl Resources. Firth H.V. et al. 2009. Am.J.Hum.Genet. 84, 524-533 (DOI)). This amino acid position is highly conserved in available vertebrate species. In addition, the in silico prediction for this alteration is inconclusive. Since supporting evidence is limited at this time, the clinical significance of this alteration remains unclear.

Labcorp Genetics (formerly Invitae), Labcorp
Classification: Uncertain significance for Brugada syndrome 8. Last evaluated: 2020-09-10. Review status: criteria provided, single submitter. Criteria: Invitae Variant Classification Sherloc (09022015). Collection method: clinical testing. Allele origin: germline.
Comment: In summary, the available evidence is currently insufficient to determine the role of this variant in disease. Therefore, it has been classified as a Variant of Uncertain Significance. Advanced modeling of protein sequence and biophysical properties (such as structural, functional, and spatial information, amino acid conservation, physicochemical variation, residue mobility, and thermodynamic stability) performed at Invitae indicates that this missense variant is not expected to disrupt HCN4 protein function. This variant has not been reported in the literature in individuals with HCN4-related conditions. This variant is present in population databases (rs201811340, ExAC 0.001%). This sequence change replaces aspartic acid with asparagine at codon 565 of the HCN4 protein (p.Asp565Asn). The aspartic acid residue is highly conserved and there is a small physicochemical difference between aspartic acid and asparagine.

NM_005477.3(HCN4):c.1693G>A (p.Asp565Asn)

Gene: HCN4 (hyperpolarization activated cyclic nucleotide gated potassium channel 4; minus strand). Cytogenetic location: 15q24.1.
Variant type: single nucleotide variant.
Coding change: c.1693G>A on transcript NM_005477.3 (MANE Select); coding-DNA position 1693, G replaced by A.
Protein change: p.Asp565Asn; replaces aspartic acid 565 with asparagine.
Molecular consequence: missense variant.
Genome position (GRCh38, 1-based): chr15:73,325,342, C>T on the plus strand (G>A on the coding strand, the complement: HCN4 is on the minus strand). VCF-style: chr15-73325342-C-T. GRCh37 (hg19) VCF-style: chr15-73617683-C-T.
Other names: short protein forms D565N.
Identifiers: ClinVar variation 1014351 (VCV001014351.10), dbSNP rs201811340, ClinGen allele CA7649227.
Genomic context (GRCh38, chr15:73,325,342, plus strand): 5'-CCGCCACACAGCTCACCTCCCGCAGGGGCTCGCTTAGCTCGCCCAGGATGCTCTCCTCGT[C>T]GAACATCTTGCCCTGGTAGCGGTGCTCGTAGTAGTCGTGGATGCGCTGCCGGGTGTCGGG-3'
Protein context (NP_005468.1, residues 555-575): YEHRYQGKMF[Asp565Asn]EESILGELSE